The following is an entry in ClinVar:

NM_000222.3(KIT):c.1990+9G>A

Gene: KIT (KIT proto-oncogene, receptor tyrosine kinase; plus strand). Cytogenetic location: 4q12.
Variant type: single nucleotide variant.
Coding change: c.1990+9G>A on transcript NM_000222.3 (MANE Select); 9 bases into the intron after coding-DNA position 1990, G replaced by A.
Molecular consequence: intron variant.
Genome position (GRCh38, 1-based): chr4:54,728,130, G>A. VCF-style: chr4-54728130-G-A. GRCh37 (hg19) VCF-style: chr4-55594296-G-A.
Other names: c.1993+9G>A (NM_001385284.1, NM_001385290.1); c.1981+9G>A (NM_001385288.1, NM_001385292.1); c.1990+9G>A (NM_001385285.1); c.1978+9G>A (NM_001093772.2, NM_001385286.1).
Identifiers: ClinVar variation 458899 (VCV000458899.14), dbSNP rs757680205, ClinGen allele CA2923620.

ClinVar aggregate classification (germline): Benign/Likely benign. Review status: criteria provided, multiple submitters, no conflicts (2 of 4 stars). 3 submissions from 3 submitters: Benign (1); Likely benign (1). 1 of the submissions does not count toward it. Last evaluated 2026-06-04.

Conditions:
KIT-related disorder. Also called: KIT-related condition.
Gastrointestinal stromal tumor. Also called: Gastrointestinal stroma tumor; Gastrointestinal stromal tumor, somatic. Identifiers: Orphanet 44890, MedGen C0238198, MeSH D046152, MONDO:0011719, OMIM 606764, HP:0100723.

Allele frequency attached by ClinVar (database versions not stated): ExAC 0.00004; gnomAD exomes 0.00004 and 0.00005; TOPMed 0.00005; gnomAD 0.00007.
gnomAD v4.1: 67 of 1,575,064 alleles (0.0043%); highest among the groups gnomAD compares: African/African-American, 0.011%; no homozygotes.

Submissions (3):

Myriad Genetics, Inc.
Classification: Benign for Gastrointestinal stromal tumor. Last evaluated: 2026-06-04. Review status: criteria provided, single submitter. Criteria: Myriad Autosomal Dominant, Autosomal Recessive and X-Linked Classification Criteria (2023). Collection method: clinical testing. Allele origin: unknown.
Comment: This variant is considered benign. This variant is intronic and is not expected to impact mRNA splicing. This variant has been observed at a population frequency that is significantly greater than expected given the associated disease prevalence and penetrance.

Labcorp Genetics (formerly Invitae), Labcorp
Classification: Likely benign for Gastrointestinal stromal tumor. Last evaluated: 2026-01-14. Review status: criteria provided, single submitter. Criteria: Invitae Variant Classification Sherloc (09022015). Collection method: clinical testing. Allele origin: germline.

PreventionGenetics, part of Exact Sciences
Classification: Likely benign for KIT-related condition. Last evaluated: 2024-04-17. Review status: no assertion criteria provided. Collection method: clinical testing. Allele origin: germline. Not counted in ClinVar's aggregate classification.
Comment: This variant is classified as likely benign based on ACMG/AMP sequence variant interpretation guidelines (Richards et al. 2015 PMID: 25741868, with internal and published modifications).